The following is an entry in ClinVar:

NM_138773.4(SLC25A46):c.699T>A (p.Asn233Lys)

Gene: SLC25A46 (solute carrier family 25 member 46; plus strand). Cytogenetic location: 5q22.1.
Variant type: single nucleotide variant.
Coding change: c.699T>A on transcript NM_138773.4 (MANE Select); coding-DNA position 699, T replaced by A.
Protein change: p.Asn233Lys; replaces asparagine 233 with lysine.
Molecular consequence: missense variant. On other transcripts: non-coding transcript variant (1), intron variant (1).
Genome position (GRCh38, 1-based): chr5:110,761,224, T>A. VCF-style: chr5-110761224-T-A. GRCh37 (hg19) VCF-style: chr5-110096924-T-A.
Other names: c.426T>A, p.Asn142Lys (NM_001303250.3); c.679-223T>A (NM_001303249.3); short protein forms N142K, N233K.
Identifiers: ClinVar variation 1970167 (VCV001970167.5), dbSNP rs755870527, ClinGen allele CA3364725.

ClinVar aggregate classification (germline): Uncertain significance (1 of 4 stars; one submission).

Conditions:
Neuropathy, hereditary motor and sensory, type 6B (HMSN6B). Also called: HMSN VIB; CHARCOT-MARIE-TOOTH DISEASE, TYPE 6B; NEUROPATHY, HEREDITARY MOTOR AND SENSORY, TYPE VIB, WITH OPTIC ATROPHY; Neuropathy, hereditary motor and sensory, type VIB. Identifiers: MedGen C4225302, MONDO:0014671, OMIM 616505.

Allele frequency attached by ClinVar (database versions not stated): gnomAD 0.00001; gnomAD exomes 0.00001; ExAC 0.00002.
gnomAD v4.1: 7 of 1,603,226 alleles (0.00044%); highest among the groups gnomAD compares: African/African-American, 0.004%; no homozygotes.

Submission:

Labcorp Genetics (formerly Invitae), Labcorp
Classification: Uncertain significance for Neuropathy, hereditary motor and sensory, type 6B. Last evaluated: 2022-06-21. Review status: criteria provided, single submitter. Criteria: Invitae Variant Classification Sherloc (09022015). Collection method: clinical testing. Allele origin: germline.
Comment: In summary, the available evidence is currently insufficient to determine the role of this variant in disease. Therefore, it has been classified as a Variant of Uncertain Significance. Algorithms developed to predict the effect of missense changes on protein structure and function (SIFT, PolyPhen-2, Align-GVGD) all suggest that this variant is likely to be tolerated. This variant has not been reported in the literature in individuals affected with SLC25A46-related conditions. This variant is present in population databases (rs755870527, gnomAD 0.007%). This sequence change replaces asparagine, which is neutral and polar, with lysine, which is basic and polar, at codon 233 of the SLC25A46 protein (p.Asn233Lys).